The following is an entry in ClinVar:

ClinVar aggregate classification (germline): Pathogenic (1 of 4 stars; one submission).

Conditions:
Glycogen storage disease, type II (IOPD). Also called: Pompe Disease; CARDIOMEGALIA GLYCOGENICA DIFFUSA; GLYCOGENOSIS, GENERALIZED, CARDIAC FORM; GSD II; POMPE DISEASE, INFANTILE-ONSET; GLYCOGEN STORAGE DISEASE II, INFANTILE-ONSET. Identifiers: Orphanet 365, MedGen C0017921, MONDO:0009290, OMIM 232300.

Submission:

Genomenon, Inc
Classification: Pathogenic for Glycogen storage disease, type II. Last evaluated: 2026-07-01. Review status: criteria provided, single submitter. Criteria: Genomenon Sequence Variant Interpretation Standards - Updated. Collection method: curation. Allele origin: germline. Affected: yes.
Comment: GAA p.Phe371ProfsTer23 (c.1111_1114delinsCCACTGGGG) is a frameshift variant that is predicted to introduce a premature termination codon and result in a truncated or absent protein product. This variant has been observed in at least one proband with a GAA-related disorder (PMID:33301762). It is absent or not present at a significant frequency in gnomAD. In conclusion, we classify GAA p.Phe371ProfsTer23 (c.1111_1114delinsCCACTGGGG) as a pathogenic variant.

Literature cited by the submitters: PubMed 33301762.

NM_000152.5(GAA):c.1111_1114delinsCCACTGGGG (p.Phe371fs)

Gene: GAA (alpha glucosidase; plus strand). Cytogenetic location: 17q25.3.
Variant type: Indel.
Coding change: c.1111_1114delinsCCACTGGGG on transcript NM_000152.5 (MANE Select); coding-DNA positions 1111 to 1114, TTCC replaced by CCACTGGGG.
Protein change: p.Phe371fs; shifts the reading frame from phenylalanine 371.
Molecular consequence: frameshift variant.
Genome position (GRCh38, 1-based): chr17:80,108,524-80,108,527, TTCC replaced by CCACTGGGG. VCF-style: chr17-80108524-TTCC-CCACTGGGG. GRCh37 (hg19) VCF-style: chr17-78082323-TTCC-CCACTGGGG.
Other names: c.1111_1114delinsCCACTGGGG, p.Phe371fs (NM_001079803.3, NM_001079804.3, NM_001406741.1 and 1 more transcripts); short protein forms F371fs.
Identifiers: ClinVar variation 4876493 (VCV004876493.1).